The following is an entry in ClinVar:

ClinVar aggregate classification (germline): Conflicting classifications of pathogenicity. Review status: criteria provided, conflicting classifications (1 of 4 stars). 3 submissions from 3 submitters: Likely pathogenic (1); Uncertain significance (2). Last evaluated 2025-11-19.

Conditions:
Elliptocytosis 2 (EL2). Also called: ELLIPTOCYTOSIS, RHESUS-UNLINKED TYPE. Identifiers: Orphanet 288, MedGen C1851741, MONDO:0007533, OMIM 130600.

Submissions (3):

Dasa
Classification: Uncertain significance. Last evaluated: 2025-11-19. Review status: criteria provided, single submitter. Criteria: DASA Assertion Criteria. Collection method: clinical testing. Allele origin: germline.
Comment: NM_003126.4(SPTA1):c.4894A>G (p.Met1632Val) is a missense variant that results in the substitution of methionine with valine. This variant is rare in population databases. Computational prediction algorithms are consistent with a benign effect. The currently available literature and clinical evidence are not sufficient to establish a definitive association between this variant and the reported condition. Therefore, this variant is classified as a variant of uncertain significance.

Ambry Genetics
Classification: Uncertain significance. Last evaluated: 2025-08-25. Review status: criteria provided, single submitter. Criteria: Ambry Variant Classification Scheme 2023. Collection method: clinical testing. Allele origin: germline.

Genomic Medicine Center of Excellence, King Faisal Specialist Hospital and Research Centre
Classification: Likely pathogenic for Elliptocytosis 2. Last evaluated: 2024-12-19. Review status: criteria provided, single submitter. Criteria: ACMG Guidelines, 2015. Collection method: clinical testing. Allele origin: germline.

NM_003126.4(SPTA1):c.4894A>G (p.Met1632Val)

Gene: SPTA1 (spectrin alpha, erythrocytic 1; minus strand). Cytogenetic location: 1q23.1.
Variant type: single nucleotide variant.
Coding change: c.4894A>G on transcript NM_003126.4 (MANE Select); coding-DNA position 4894, A replaced by G.
Protein change: p.Met1632Val; replaces methionine 1632 with valine.
Molecular consequence: missense variant.
Genome position (GRCh38, 1-based): chr1:158,639,668, T>C on the plus strand (A>G on the coding strand, the complement: SPTA1 is on the minus strand). VCF-style: chr1-158639668-T-C. GRCh37 (hg19) VCF-style: chr1-158609458-T-C.
Other names: c.4894A>G (NM_003126.2); short protein forms M1632V.
Identifiers: ClinVar variation 3393110 (VCV003393110.4).